The following is an entry in ClinVar:

NM_020312.4(COQ9):c.73+9del

Genes: COQ9 (coenzyme Q9; plus strand), LOC112469007 (Sharpr-MPRA regulatory region 5957; plus strand). Cytogenetic location: 16q21.
Variant type: Deletion.
Coding change: c.73+9del on transcript NM_020312.4 (MANE Select); 9 bases into the intron after coding-DNA position 73, one base deleted (G; older notation c.73+9delG).
Molecular consequence: intron variant.
Genome position (GRCh38, 1-based): chr16:57,447,587, G deleted; the last of 5 consecutive G bases (chr16:57,447,583-57,447,587); deleting any one gives the same sequence. VCF-style (leftmost placement, unchanged base first): chr16-57447582-AG-A. GRCh37 (hg19) VCF-style: chr16-57481494-AG-A.
Other names: c.73+9delG (NM_020312.1).
Identifiers: ClinVar variation 320004 (VCV000320004.5), dbSNP rs749532852, ClinGen allele CA8076073.

ClinVar aggregate classification (germline): Likely benign (1 of 4 stars; one submission).

Submission:

GeneDx
Classification: Likely benign. Last evaluated: 2018-03-02. Review status: criteria provided, single submitter. Criteria: GeneDx Variant Classification (06012015). Collection method: clinical testing. Allele origin: germline. Affected: yes.
Comment: This variant is considered likely benign or benign based on one or more of the following criteria: it is a conservative change, it occurs at a poorly conserved position in the protein, it is predicted to be benign by multiple in silico algorithms, and/or has population frequency not consistent with disease.